The following is an entry in ClinVar:

NM_000179.3(MSH6):c.2207A>T (p.Asp736Val)

Gene: MSH6 (mutS homolog 6; plus strand). Cytogenetic location: 2p16.3.
Variant type: single nucleotide variant.
Coding change: c.2207A>T on transcript NM_000179.3 (MANE Select); coding-DNA position 2207, A replaced by T.
Protein change: p.Asp736Val; replaces aspartic acid 736 with valine.
Molecular consequence: missense variant.
Genome position (GRCh38, 1-based): chr2:47,800,190, A>T. VCF-style: chr2-47800190-A-T. GRCh37 (hg19) VCF-style: chr2-48027329-A-T.
Other names: c.1817A>T, p.Asp606Val (NM_001281492.2); c.1301A>T, p.Asp434Val (NM_001281493.2, NM_001281494.2); short protein forms D736V, D434V, D606V.
Identifiers: ClinVar variation 820863 (VCV000820863.5), dbSNP rs1572726201, ClinGen allele CA346751404.

ClinVar aggregate classification (germline): Uncertain significance (1 of 4 stars; one submission).

Conditions:
Hereditary cancer-predisposing syndrome. Also called: Neoplastic Syndromes, Hereditary; Tumor predisposition; Hereditary Cancer Syndrome; Hereditary neoplastic syndrome. Identifiers: Orphanet 140162, MedGen C0027672, MeSH D009386, MONDO:0015356.

Submission:

Ambry Genetics
Classification: Uncertain significance for Hereditary cancer-predisposing syndrome. Last evaluated: 2024-07-23. Review status: criteria provided, single submitter. Criteria: Ambry Variant Classification Scheme 2023. Collection method: clinical testing. Allele origin: germline.
Comment: The p.D736V variant (also known as c.2207A>T), located in coding exon 4 of the MSH6 gene, results from an A to T substitution at nucleotide position 2207. The aspartic acid at codon 736 is replaced by valine, an amino acid with highly dissimilar properties. This amino acid position is highly conserved in available vertebrate species. In addition, this alteration is predicted to be deleterious by in silico analysis. Based on the available evidence, the clinical significance of this variant remains unclear.